The following is an entry in ClinVar:

NM_000465.4(BARD1):c.185G>C (p.Cys62Ser)

Gene: BARD1 (BRCA1 associated RING domain 1; minus strand). Cytogenetic location: 2q35.
Variant type: single nucleotide variant.
Coding change: c.185G>C on transcript NM_000465.4 (MANE Select); coding-DNA position 185, G replaced by C.
Protein change: p.Cys62Ser; replaces cysteine 62 with serine.
Molecular consequence: missense variant. On other transcripts: non-coding transcript variant (2), intron variant (2).
Genome position (GRCh38, 1-based): chr2:214,797,091, C>G on the plus strand (G>C on the coding strand, the complement: BARD1 is on the minus strand). VCF-style: chr2-214797091-C-G. GRCh37 (hg19) VCF-style: chr2-215661815-C-G.
Other names: c.185G>C, p.Cys62Ser (NM_001282545.2, NM_001282549.2); c.158+12321G>C (NM_001282548.2); c.159-4646G>C (NM_001282543.2); short protein forms C62S.
Identifiers: ClinVar variation 482832 (VCV000482832.21), dbSNP rs768089548, ClinGen allele CA2090490.

ClinVar aggregate classification (germline): Uncertain significance. Review status: criteria provided, multiple submitters, no conflicts (2 of 4 stars). 3 submissions from 3 submitters: Uncertain significance (3). Last evaluated 2025-01-30.

Conditions:
Hereditary cancer-predisposing syndrome. Also called: Neoplastic Syndromes, Hereditary; Tumor predisposition; Hereditary Cancer Syndrome; Hereditary neoplastic syndrome. Identifiers: Orphanet 140162, MedGen C0027672, MeSH D009386, MONDO:0015356.
Familial cancer of breast. Also called: BREAST CANCER, FAMILIAL; Hereditary breast cancer; hereditary breast carcinoma. Identifiers: Orphanet 227535, MedGen C0346153, MONDO:0016419, OMIM 114480. Disease mechanism: loss of function.

Allele frequency attached by ClinVar (database versions not stated): gnomAD exomes below 0.00001; ExAC 0.00001; gnomAD 0.00001.
gnomAD v4.1: 4 of 1,612,920 alleles (0.00025%); highest among the groups gnomAD compares: Non-Finnish European, 0.00025%; no homozygotes.

Submissions (3):

Ambry Genetics
Classification: Uncertain significance for Hereditary cancer-predisposing syndrome. Last evaluated: 2025-01-30. Review status: criteria provided, single submitter. Criteria: Ambry Variant Classification Scheme 2023. Collection method: clinical testing. Allele origin: germline.
Comment: The p.C62S variant (also known as c.185G>C), located in coding exon 2 of the BARD1 gene, results from a G to C substitution at nucleotide position 185. The cysteine at codon 62 is replaced by serine, an amino acid with dissimilar properties. This amino acid position is well conserved in available vertebrate species. In addition, this alteration is predicted to be tolerated by in silico analysis. Since supporting evidence is limited at this time, the clinical significance of this alteration remains unclear.

Color Diagnostics, LLC DBA Color Health
Classification: Uncertain significance for Hereditary cancer-predisposing syndrome. Last evaluated: 2023-12-04. Review status: criteria provided, single submitter. Criteria: ACMG Guidelines, 2015. Collection method: clinical testing. Allele origin: germline.
Comment: This missense variant replaces cysteine with serine at codon 62 of the BARD1 protein. Computational prediction suggests that this variant may not impact protein structure and function (internally defined REVEL score threshold <= 0.5, PMID: 27666373). To our knowledge, functional studies have not been reported for this variant. This variant has not been reported in individuals affected with BARD1-related disorders in the literature. This variant has been identified in 2/251164 chromosomes in the general population by the Genome Aggregation Database (gnomAD). The available evidence is insufficient to determine the role of this variant in disease conclusively. Therefore, this variant is classified as a Variant of Uncertain Significance.

Labcorp Genetics (formerly Invitae), Labcorp
Classification: Uncertain significance for Familial cancer of breast. Last evaluated: 2020-07-24. Review status: criteria provided, single submitter. Criteria: Invitae Variant Classification Sherloc (09022015). Collection method: clinical testing. Allele origin: germline.
Comment: This variant is present in population databases (rs768089548, ExAC 0.001%). This sequence change replaces cysteine with serine at codon 62 of the BARD1 protein (p.Cys62Ser). The cysteine residue is highly conserved and there is a moderate physicochemical difference between cysteine and serine. This variant has not been reported in the literature in individuals with BARD1-related conditions. ClinVar contains an entry for this variant (Variation ID: 482832). Algorithms developed to predict the effect of missense changes on protein structure and function (SIFT, PolyPhen-2, Align-GVGD) all suggest that this variant is likely to be tolerated, but these predictions have not been confirmed by published functional studies and their clinical significance is uncertain. In summary, the available evidence is currently insufficient to determine the role of this variant in disease. Therefore, it has been classified as a Variant of Uncertain Significance.